The following is an entry in ClinVar:

NM_020937.4(FANCM):c.2246T>C (p.Val749Ala)

Gene: FANCM (FA complementation group M; plus strand). Cytogenetic location: 14q21.2.
Variant type: single nucleotide variant.
Coding change: c.2246T>C on transcript NM_020937.4 (MANE Select); coding-DNA position 2246, T replaced by C.
Protein change: p.Val749Ala; replaces valine 749 with alanine.
Molecular consequence: missense variant.
Genome position (GRCh38, 1-based): chr14:45,173,140, T>C. VCF-style: chr14-45173140-T-C. GRCh37 (hg19) VCF-style: chr14-45642343-T-C.
Other names: c.2168T>C, p.Val723Ala (NM_001308133.2); short protein forms V723A, V749A.
Identifiers: ClinVar variation 3848559 (VCV003848559.1).
Genomic context (GRCh38, chr14:45,173,140, plus strand): 5'-ATCAACTCTCTCTCTCTGAATGGAGACTGTGGCAAGATCATCCTTTGCCTACACATCAAG[T>C]TGATCACTCAGATCGATGCCGCCATTTTATAGGCCTTATGCAAATGATAGAGGGAATGAG-3'
Protein context (NP_065988.1, residues 739-759): WQDHPLPTHQ[Val749Ala]DHSDRCRHFI

ClinVar aggregate classification (germline): Uncertain significance (1 of 4 stars; one submission).

Conditions:
Inborn genetic diseases. Identifiers: MedGen C0950123, MeSH D030342.

Submission:

Ambry Genetics
Classification: Uncertain significance for Inborn genetic diseases. Last evaluated: 2024-12-29. Review status: criteria provided, single submitter. Criteria: Ambry Variant Classification Scheme 2023. Collection method: clinical testing. Allele origin: germline.
Comment: The p.V749A variant (also known as c.2246T>C), located in coding exon 13 of the FANCM gene, results from a T to C substitution at nucleotide position 2246. The valine at codon 749 is replaced by alanine, an amino acid with similar properties. This amino acid position is conserved. In addition, this alteration is predicted to be tolerated by in silico analysis. Based on the available evidence, the clinical significance of this variant remains unclear.